The following is an entry in ClinVar:

NM_021969.3(NR0B2):c.129G>A (p.Gln43=)

Genes: NR0B2 (nuclear receptor subfamily 0 group B member 2; minus strand), NUDC (nuclear distribution C, dynein complex regulator; plus strand). Cytogenetic location: 1p36.11.
Variant type: single nucleotide variant.
Coding change: c.129G>A on transcript NM_021969.3 (MANE Select); coding-DNA position 129, G replaced by A.
Protein change: p.Gln43=; no amino-acid change (glutamine 43 retained).
Molecular consequence: synonymous variant.
Genome position (GRCh38, 1-based): chr1:26,913,812, C>T on the plus strand (G>A on the coding strand, the complement: NR0B2 is on the minus strand). VCF-style: chr1-26913812-C-T. GRCh37 (hg19) VCF-style: chr1-27240303-C-T.
Identifiers: ClinVar variation 3032763 (VCV003032763.2), dbSNP rs1021652257, ClinGen allele CA19832239.
Genomic context (GRCh38, chr1:26,913,812, plus strand): 5'-CAGAACATCCAAGGCCTCCCGGCAGGTGCGATGAGGTGCACATAGCTGGACGGGCCGGTG[C>T]TGCCTACATAGGCAGCGGCTACGGGGTCGGGGGACAGCCTTGAGGCTGGAGCTCAGAAGT-3'
Protein context (NP_068804.1, residues 33-53): PRPRSRCLCR[Gln43=]HRPVQLCAPH

ClinVar aggregate classification (germline): Likely benign (0 of 4 stars; one submission).

Conditions:
NR0B2-related disorder. Also called: NR0B2-related condition.

Allele frequency attached by ClinVar (database versions not stated): gnomAD exomes 0.00001; TOPMed 0.00001.
gnomAD v4.1: 10 of 1,520,290 alleles (0.00066%); highest among the groups gnomAD compares: Middle Eastern, 0.053%; no homozygotes.

Submission:

PreventionGenetics, part of Exact Sciences
Classification: Likely benign for NR0B2-related condition. Last evaluated: 2021-09-14. Review status: no assertion criteria provided. Collection method: clinical testing. Allele origin: germline.
Comment: This variant is classified as likely benign based on ACMG/AMP sequence variant interpretation guidelines (Richards et al. 2015 PMID: 25741868, with internal and published modifications).